The following is an entry in ClinVar:

ClinVar aggregate classification (germline): Uncertain significance (1 of 4 stars; one submission).

Submission:

GeneDx
Classification: Uncertain significance. Last evaluated: 2022-09-01. Review status: criteria provided, single submitter. Criteria: GeneDx Variant Classification Process June 2021. Collection method: clinical testing. Allele origin: germline. Affected: yes.
Comment: Not observed at significant frequency in large population cohorts (gnomAD); In-frame deletion of 2 amino acids in a non-repeat region; Has not been previously published as pathogenic or benign to our knowledge

NM_020937.4(FANCM):c.3459_3464del (p.Asn1153_Ser1154del)

Gene: FANCM (FA complementation group M; plus strand). Cytogenetic location: 14q21.2.
Variant type: Deletion.
Coding change: c.3459_3464del on transcript NM_020937.4 (MANE Select); coding-DNA positions 3459 to 3464, 6 bases deleted (CAGTAA; older notation c.3459_3464delCAGTAA).
Protein change: p.Asn1153_Ser1154del.
Molecular consequence: inframe deletion. On other transcripts: inframe indel (1).
Genome position (GRCh38, 1-based): chr14:45,176,213-45,176,218, CAGTAA deleted; deleting any 6 consecutive bases within chr14:45,176,211-45,176,218 gives the same sequence; the c. name uses the placement nearest the transcript's 3' end. VCF-style (leftmost placement, unchanged base first): chr14-45176210-GAACAGT-G. GRCh37 (hg19) VCF-style: chr14-45645413-GAACAGT-G.
Other names: c.3381_3386del, p.Asn1127_Ser1128del (NM_001308133.2); c.3459_3464delCAGTAA, p.Asn1153_Ser1154del (NM_020937.2).
Identifiers: ClinVar variation 2442416 (VCV002442416.1), dbSNP rs2503191091, ClinGen allele CA2580088238.